The following is an entry in ClinVar:

ClinVar aggregate classification (germline): Uncertain significance. Review status: criteria provided, multiple submitters, no conflicts (2 of 4 stars). 2 submissions from 2 submitters: Uncertain significance (2). Last evaluated 2024-11-15.

Conditions:
Hereditary cancer-predisposing syndrome. Also called: Tumor predisposition; Hereditary neoplastic syndrome; Neoplastic Syndromes, Hereditary; Hereditary Cancer Syndrome. Identifiers: Orphanet 140162, MedGen C0027672, MeSH D009386, MONDO:0015356.

Submissions (2):

Ambry Genetics
Classification: Uncertain significance for Hereditary cancer-predisposing syndrome. Last evaluated: 2024-11-15. Review status: criteria provided, single submitter. Criteria: Ambry Variant Classification Scheme 2023. Collection method: clinical testing. Allele origin: germline.
Comment: The p.R250T variant (also known as c.749G>C), located in coding exon 5 of the NTHL1 gene, results from a G to C substitution at nucleotide position 749. The arginine at codon 250 is replaced by threonine, an amino acid with similar properties. This amino acid position is conserved. In addition, this alteration is predicted to be tolerated by in silico analysis. Based on the available evidence, the clinical significance of this variant remains unclear.

Labcorp Genetics (formerly Invitae), Labcorp
Classification: Uncertain significance. Last evaluated: 2022-10-13. Review status: criteria provided, single submitter. Criteria: Invitae Variant Classification Sherloc (09022015). Collection method: clinical testing. Allele origin: germline.
Comment: In summary, the available evidence is currently insufficient to determine the role of this variant in disease. Therefore, it has been classified as a Variant of Uncertain Significance. Algorithms developed to predict the effect of missense changes on protein structure and function are either unavailable or do not agree on the potential impact of this missense change (SIFT: "Not Available"; PolyPhen-2: "Benign"; Align-GVGD: "Not Available"). ClinVar contains an entry for this variant (Variation ID: 952691). This variant has not been reported in the literature in individuals affected with NTHL1-related conditions. This variant is not present in population databases (gnomAD no frequency). This sequence change replaces arginine, which is basic and polar, with threonine, which is neutral and polar, at codon 250 of the NTHL1 protein (p.Arg250Thr).

NM_002528.7(NTHL1):c.725G>C (p.Arg242Thr)

Gene: NTHL1 (nth like DNA glycosylase 1; minus strand). Cytogenetic location: 16p13.3.
Variant type: single nucleotide variant.
Coding change: c.725G>C on transcript NM_002528.7 (MANE Select); coding-DNA position 725, G replaced by C.
Protein change: p.Arg242Thr; replaces arginine 242 with threonine.
Molecular consequence: missense variant.
Genome position (GRCh38, 1-based): chr16:2,040,199, C>G on the plus strand (G>C on the coding strand, the complement: NTHL1 is on the minus strand). VCF-style: chr16-2040199-C-G. GRCh37 (hg19) VCF-style: chr16-2090200-C-G.
Other names: c.749G>C (NM_002528.5); c.554G>C, p.Arg185Thr (NM_001318193.2); c.395G>C, p.Arg132Thr (NM_001318194.2); short protein forms R132T, R185T, R242T.
Identifiers: ClinVar variation 952691 (VCV000952691.10), dbSNP rs2084243345, ClinGen allele CA394289119.